The following is an entry in ClinVar:

NM_001308142.2(MRTFB):c.479T>C (p.Leu160Pro)

Gene: MRTFB (myocardin related transcription factor B; plus strand). Cytogenetic location: 16p13.12.
Variant type: single nucleotide variant.
Coding change: c.479T>C on transcript NM_001308142.2 (MANE Select); coding-DNA position 479, T replaced by C.
Protein change: p.Leu160Pro; replaces leucine 160 with proline.
Molecular consequence: missense variant.
Genome position (GRCh38, 1-based): chr16:14,217,252, T>C. VCF-style: chr16-14217252-T-C. GRCh37 (hg19) VCF-style: chr16-14311109-T-C.
Other names: c.446T>C, p.Leu149Pro (NM_001365411.2, NM_001365415.2); c.479T>C, p.Leu160Pro (NM_001365412.2, NM_014048.4); c.266T>C, p.Leu89Pro (NM_001365413.2, NM_001365414.2, NM_001365416.2); short protein forms L149P, L160P, L89P.
Identifiers: ClinVar variation 3345826 (VCV003345826.2).

ClinVar aggregate classification (germline): Likely pathogenic. Review status: criteria provided, single submitter (1 of 4 stars). 2 submissions from 2 submitters: Likely pathogenic (1). 1 of the submissions does not count toward it. Last evaluated 2022-02-05.

Conditions:
MKL2-related disorders.
MRTFB-related disorder. Also called: MRTFB-Related Disorders; MRTFB related condition.

Submissions (2):

Blueprint Genetics
Classification: Likely pathogenic for MKL2-related disorders. Last evaluated: 2022-02-05. Review status: criteria provided, single submitter. Criteria: ACMG Guidelines, 2015. Collection method: clinical testing. Allele origin: de novo. Affected: yes. Observed: 1 variant allele.

PreventionGenetics, part of Exact Sciences
Classification: Uncertain significance for MRTFB-related condition. Last evaluated: 2024-09-24. Review status: no assertion criteria provided. Collection method: clinical testing. Allele origin: germline. Not counted in ClinVar's aggregate classification.
Comment: The MRTFB c.479T>C variant is predicted to result in the amino acid substitution p.Leu160Pro. To our knowledge, this variant has not been reported in the literature or in a large population database, indicating this variant is rare. At this time, the clinical significance of this variant is uncertain due to the absence of conclusive functional and genetic evidence.